The following is an entry in ClinVar:

NM_004595.5(SMS):c.200G>A (p.Gly67Glu)

Gene: SMS (spermine synthase; plus strand). Cytogenetic location: Xp22.11.
Variant type: single nucleotide variant.
Coding change: c.200G>A on transcript NM_004595.5 (MANE Select); coding-DNA position 200, G replaced by A.
Protein change: p.Gly67Glu; replaces glycine 67 with glutamic acid.
Molecular consequence: missense variant. On other transcripts: intron variant (1).
Genome position (GRCh38, 1-based): chrX:21,971,926, G>A. VCF-style: chrX-21971926-G-A. GRCh37 (hg19) VCF-style: chrX-21990044-G-A.
Other names: c.170+4610G>A (NM_001258423.2); c.200G>A (NM_004595.2); short protein forms G67E.
Identifiers: ClinVar variation 65677 (VCV000065677.5), dbSNP rs397515550, ClinGen allele CA345012.

ClinVar aggregate classification (germline): Pathogenic. Review status: criteria provided, single submitter (1 of 4 stars). 2 submissions from 2 submitters: Pathogenic (1). 1 of the submissions does not count toward it. Last evaluated 2023-09-13.

Conditions:
Intellectual developmental disorder, X-linked, syndromic, Snyder-Robinson type. Also called: Spermine synthase deficiency; Syndromic X-linked intellectual disability Snyder type; SNYDER-ROBINSON MENTAL RETARDATION SYNDROME; X-linked mental retardation Snyder - Robinson type. Identifiers: Orphanet 3063, MedGen C0796160, MONDO:0010664, OMIM 309583.

Submissions (2):

GeneDx
Classification: Pathogenic. Last evaluated: 2023-09-13. Review status: criteria provided, single submitter. Criteria: GeneDx Variant Classification Process June 2021. Collection method: clinical testing. Allele origin: germline.
Comment: Published functional studies suggest a damaging effect resulting in low levels of protein (Peng et al., 2016); Not observed at significant frequency in large population cohorts (gnomAD); In silico analysis supports that this missense variant has a deleterious effect on protein structure/function; This variant is associated with the following publications: (PMID: 26761001, 23897707)

OMIM
Classification: Pathogenic for INTELLECTUAL DEVELOPMENTAL DISORDER, X-LINKED, SYNDROMIC, SNYDER-ROBINSON TYPE. Last evaluated: 2013-09-01. Review status: no assertion criteria provided. Collection method: literature only. Allele origin: germline. Not counted in ClinVar's aggregate classification.

Literature cited by the submitters: PubMed 23897707 (cited by OMIM).